The following is an entry in ClinVar:

ClinVar aggregate classification (germline): Likely benign. Review status: criteria provided, multiple submitters, no conflicts (2 of 4 stars). 3 submissions from 3 submitters: Likely benign (2). 1 of the submissions does not count toward it. Last evaluated 2024-04-15.

Conditions:
LRRK1-related disorder. Also called: LRRK1-related condition.

Allele frequency attached by ClinVar (database versions not stated): gnomAD exomes 0.00004 and 0.00007; TOPMed 0.00005; ExAC 0.00006; gnomAD 0.00007 and 0.00009.
gnomAD v4.1: 120 of 1,614,108 alleles (0.0074%); highest among the groups gnomAD compares: Middle Eastern, 0.56%; 2 homozygotes.

Submissions (3):

Labcorp Genetics (formerly Invitae), Labcorp
Classification: Likely benign. Last evaluated: 2024-04-15. Review status: criteria provided, single submitter. Criteria: Invitae Variant Classification Sherloc (09022015). Collection method: clinical testing. Allele origin: germline.

Breakthrough Genomics
Classification: Likely benign. Review status: criteria provided, single submitter. Criteria: ACMG Guidelines, 2015. Collection method: not provided. Allele origin: germline. Inheritance: Autosomal recessive inheritance. Affected: yes.

PreventionGenetics, part of Exact Sciences
Classification: Likely benign for LRRK1-related condition. Last evaluated: 2019-02-21. Review status: no assertion criteria provided. Collection method: clinical testing. Allele origin: germline. Not counted in ClinVar's aggregate classification.
Comment: This variant is classified as likely benign based on ACMG/AMP sequence variant interpretation guidelines (Richards et al. 2015 PMID: 25741868, with internal and published modifications).

NM_024652.6(LRRK1):c.5343C>T (p.Ser1781=)

Genes: LRRK1 (leucine rich repeat kinase 1; plus strand), LRRK1-AS1 (LRRK1 antisense RNA 1; minus strand). Cytogenetic location: 15q26.3.
Variant type: single nucleotide variant.
Coding change: c.5343C>T on transcript NM_024652.6 (MANE Select); coding-DNA position 5343, C replaced by T.
Protein change: p.Ser1781=; no amino-acid change (serine 1781 retained).
Molecular consequence: synonymous variant.
Genome position (GRCh38, 1-based): chr15:101,065,780, C>T. VCF-style: chr15-101065780-C-T. GRCh37 (hg19) VCF-style: chr15-101605985-C-T.
Other names: c.5343C>T (NM_024652.5).
Identifiers: ClinVar variation 1552969 (VCV001552969.11), dbSNP rs752581212, ClinGen allele CA7762120.